The following is an entry in ClinVar:

ClinVar aggregate classification (germline): Benign/Likely benign. Review status: criteria provided, multiple submitters, no conflicts (2 of 4 stars). 6 submissions from 6 submitters: Benign (1); Likely benign (5). Last evaluated 2025-06-08.

Conditions:
Desmoid disease, hereditary (DESMD). Also called: FIBROMATOSIS, FAMILIAL INFILTRATIVE. Identifiers: Orphanet 873, MedGen C1851124, OMIM 135290. Disease mechanism: loss of function.
Familial adenomatous polyposis 1 (FAP1). Also called: POLYPOSIS, ADENOMATOUS INTESTINAL; FAMILIAL ADENOMATOUS POLYPOSIS 1, ATTENUATED. Identifiers: MedGen C2713442, MONDO:0021056, OMIM 175100. Disease mechanism: loss of function.
Classic or attenuated familial adenomatous polyposis. Identifiers: MedGen CN372698, MONDO:0021057.
Hereditary cancer-predisposing syndrome. Also called: Hereditary Cancer Syndrome; Neoplastic Syndromes, Hereditary; Tumor predisposition; Hereditary neoplastic syndrome. Identifiers: Orphanet 140162, MedGen C0027672, MeSH D009386, MONDO:0015356.

Allele frequency attached by ClinVar (database versions not stated): gnomAD exomes below 0.00001 and 0.00001; TOPMed 0.00001.

Submissions (6):

Labcorp Genetics (formerly Invitae), Labcorp
Classification: Likely benign for Familial adenomatous polyposis 1. Last evaluated: 2025-06-08. Review status: criteria provided, single submitter. Criteria: Invitae Variant Classification Sherloc (09022015). Collection method: clinical testing. Allele origin: germline.

All of Us Research Program, National Institutes of Health
Classification: Likely benign for Classic or attenuated familial adenomatous polyposis. Last evaluated: 2024-07-29. Review status: criteria provided, single submitter. Criteria: ACMG Guidelines, 2015. Collection method: clinical testing. Allele origin: germline. Inheritance: Autosomal dominant inheritance. Observed: 3 variant alleles, 3 heterozygotes.
Comment: This study involves interpretation of variants in research participants for the purpose of population health screening. Participant phenotype was not available at the time of variant classification. Additional details can be found in publication PMID: 35346344, PMCID: PMC8962531

Myriad Genetics, Inc.
Classification: Benign for Familial adenomatous polyposis 1. Last evaluated: 2024-03-21. Review status: criteria provided, single submitter. Criteria: Myriad Autosomal Dominant, Autosomal Recessive and X-Linked Classification Criteria (2023). Collection method: clinical testing. Allele origin: unknown.
Comment: This variant is considered benign. This variant is a silent/synonymous amino acid change and it is not expected to impact splicing.

Department of Pathology and Laboratory Medicine, Sinai Health System
Classification: Likely benign for Familial adenomatous polyposis 1; Desmoid disease, hereditary. Last evaluated: 2022-03-04. Review status: criteria provided, single submitter. Criteria: ACMG Guidelines, 2015. Collection method: clinical testing. Allele origin: germline. Affected: yes.

Ambry Genetics
Classification: Likely benign for Hereditary cancer-predisposing syndrome. Last evaluated: 2019-09-26. Review status: criteria provided, single submitter. Criteria: Ambry Variant Classification Scheme 2023. Collection method: clinical testing. Allele origin: germline.

Color Diagnostics, LLC DBA Color Health
Classification: Likely benign for Hereditary cancer-predisposing syndrome. Last evaluated: 2016-06-08. Review status: criteria provided, single submitter. Criteria: ACMG Guidelines, 2015. Collection method: clinical testing. Allele origin: germline.

NM_000038.6(APC):c.3537T>C (p.Tyr1179=)

Gene: APC (APC regulator of Wnt signaling pathway; plus strand). Cytogenetic location: 5q22.2.
Variant type: single nucleotide variant.
Coding change: c.3537T>C on transcript NM_000038.6 (MANE Select); coding-DNA position 3537, T replaced by C.
Protein change: p.Tyr1179=; no amino-acid change (tyrosine 1179 retained).
Molecular consequence: synonymous variant.
Genome position (GRCh38, 1-based): chr5:112,839,131, T>C. VCF-style: chr5-112839131-T-C. GRCh37 (hg19) VCF-style: chr5-112174828-T-C.
Other names: c.3537T>C, p.Tyr1179= (NM_001127510.3, NM_001354895.2); c.3483T>C, p.Tyr1161= (NM_001127511.3); c.3591T>C, p.Tyr1197= (NM_001354896.2); c.3567T>C, p.Tyr1189= (NM_001354897.2); c.3462T>C, p.Tyr1154= (NM_001354898.2); c.3453T>C, p.Tyr1151= (NM_001354899.2); c.3414T>C, p.Tyr1138= (NM_001354900.2); c.3360T>C, p.Tyr1120= (NM_001354901.2); and 5 more.
Identifiers: ClinVar variation 490266 (VCV000490266.19), dbSNP rs1384420589, ClinGen allele CA445963567.
Genomic context (GRCh38, chr5:112,839,131, plus strand): 5'-AACAAATTATAGCATAAAATATAATGAAGAGAAACGTCATGTGGATCAGCCTATTGATTA[T>C]AGTTTAAAATATGCCACAGATATTCCTTCATCACAGAAACAGTCATTTTCATTCTCAAAG-3'
Protein context (NP_000029.2, residues 1169-1189): EKRHVDQPID[Tyr1179=]SLKYATDIPS